The following is an entry in ClinVar:

NM_144997.7(FLCN):c.1459G>C (p.Glu487Gln)

Gene: FLCN (folliculin; minus strand). Cytogenetic location: 17p11.2.
Variant type: single nucleotide variant.
Coding change: c.1459G>C on transcript NM_144997.7 (MANE Select); coding-DNA position 1459, G replaced by C.
Protein change: p.Glu487Gln; replaces glutamic acid 487 with glutamine.
Molecular consequence: missense variant.
Genome position (GRCh38, 1-based): chr17:17,215,064, C>G on the plus strand (G>C on the coding strand, the complement: FLCN is on the minus strand). VCF-style: chr17-17215064-C-G. GRCh37 (hg19) VCF-style: chr17-17118378-C-G.
Other names: c.1513G>C, p.Glu505Gln (NM_001353229.2); c.1459G>C, p.Glu487Gln (NM_001353230.2, NM_001353231.2); short protein forms E487Q, E505Q.
Identifiers: ClinVar variation 2473726 (VCV002473726.3), dbSNP rs786202475, ClinGen allele CA398530978.

ClinVar aggregate classification (germline): Uncertain significance (1 of 4 stars; one submission).

Conditions:
Hereditary cancer-predisposing syndrome. Also called: Neoplastic Syndromes, Hereditary; Hereditary neoplastic syndrome; Tumor predisposition; Hereditary Cancer Syndrome. Identifiers: Orphanet 140162, MedGen C0027672, MeSH D009386, MONDO:0015356.

Submission:

Ambry Genetics
Classification: Uncertain significance for Hereditary cancer-predisposing syndrome. Last evaluated: 2025-06-14. Review status: criteria provided, single submitter. Criteria: Ambry Variant Classification Scheme 2023. Collection method: clinical testing. Allele origin: germline.
Comment: The p.E487Q variant (also known as c.1459G>C), located in coding exon 10 of the FLCN gene, results from a G to C substitution at nucleotide position 1459. The glutamic acid at codon 487 is replaced by glutamine, an amino acid with highly similar properties. This amino acid position is conserved. In addition, this alteration is predicted to be deleterious by in silico analysis. Since supporting evidence is limited at this time, the clinical significance of this alteration remains unclear.